The following is an entry in ClinVar:

ClinVar aggregate classification (germline): Uncertain significance. Review status: criteria provided, multiple submitters, no conflicts (2 of 4 stars). 2 submissions from 2 submitters: Uncertain significance (2). Last evaluated 2025-09-09.

Conditions:
Hereditary cancer-predisposing syndrome. Also called: Hereditary neoplastic syndrome; Neoplastic Syndromes, Hereditary; Tumor predisposition; Hereditary Cancer Syndrome. Identifiers: Orphanet 140162, MedGen C0027672, MeSH D009386, MONDO:0015356.
Bloom syndrome (BLM). Also called: Bloom-Torre-Machacek syndrome. Identifiers: Orphanet 125, MedGen C0005859, MONDO:0008876, OMIM 210900.

Allele frequency attached by ClinVar (database versions not stated): gnomAD exomes below 0.00001; gnomAD 0.00001.

Submissions (2):

Labcorp Genetics (formerly Invitae), Labcorp
Classification: Uncertain significance for Bloom syndrome. Last evaluated: 2025-09-09. Review status: criteria provided, single submitter. Criteria: Invitae Variant Classification Sherloc (09022015). Collection method: clinical testing. Allele origin: germline.
Comment: This sequence change replaces arginine, which is basic and polar, with histidine, which is basic and polar, at codon 808 of the BLM protein (p.Arg808His). This variant is present in population databases (no rsID available, gnomAD 0.0008%). This variant has not been reported in the literature in individuals affected with BLM-related conditions. ClinVar contains an entry for this variant (Variation ID: 941848). Invitae Evidence Modeling of protein sequence and biophysical properties (such as structural, functional, and spatial information, amino acid conservation, physicochemical variation, residue mobility, and thermodynamic stability) indicates that this missense variant is expected to disrupt BLM protein function with a positive predictive value of 80%. In summary, the available evidence is currently insufficient to determine the role of this variant in disease. Therefore, it has been classified as a Variant of Uncertain Significance.

Ambry Genetics
Classification: Uncertain significance for Hereditary cancer-predisposing syndrome. Last evaluated: 2024-03-24. Review status: criteria provided, single submitter. Criteria: Ambry Variant Classification Scheme 2023. Collection method: clinical testing. Allele origin: germline.
Comment: The p.R808H variant (also known as c.2423G>A), located in coding exon 11 of the BLM gene, results from a G to A substitution at nucleotide position 2423. The arginine at codon 808 is replaced by histidine, an amino acid with highly similar properties. This amino acid position is highly conserved in available vertebrate species. In addition, this alteration is predicted to be deleterious by in silico analysis. Since supporting evidence is limited at this time, the clinical significance of this alteration remains unclear.

NM_000057.4(BLM):c.2423G>A (p.Arg808His)

Gene: BLM (BLM RecQ like helicase; plus strand). Cytogenetic location: 15q26.1.
Variant type: single nucleotide variant.
Coding change: c.2423G>A on transcript NM_000057.4 (MANE Select); coding-DNA position 2423, G replaced by A.
Protein change: p.Arg808His; replaces arginine 808 with histidine.
Molecular consequence: missense variant.
Genome position (GRCh38, 1-based): chr15:90,769,454, G>A. VCF-style: chr15-90769454-G-A. GRCh37 (hg19) VCF-style: chr15-91312684-G-A.
Other names: c.2423G>A, p.Arg808His (NM_001287246.2, NM_001287247.2); c.1298G>A, p.Arg433His (NM_001287248.2); short protein forms R808H, R433H.
Identifiers: ClinVar variation 941848 (VCV000941848.8), dbSNP rs1399382807, ClinGen allele CA393845284.